The following is an entry in ClinVar:

NM_000082.4(ERCC8):c.1156G>A (p.Glu386Lys)

Gene: ERCC8 (ERCC excision repair 8, CSA ubiquitin ligase complex subunit; minus strand). Cytogenetic location: 5q12.1.
Variant type: single nucleotide variant.
Coding change: c.1156G>A on transcript NM_000082.4 (MANE Select); coding-DNA position 1156, G replaced by A.
Protein change: p.Glu386Lys; replaces glutamic acid 386 with lysine.
Molecular consequence: missense variant.
Genome position (GRCh38, 1-based): chr5:60,874,650, C>T on the plus strand (G>A on the coding strand, the complement: ERCC8 is on the minus strand). VCF-style: chr5-60874650-C-T. GRCh37 (hg19) VCF-style: chr5-60170477-C-T.
Other names: c.982G>A, p.Glu328Lys (NM_001007233.3); c.697G>A, p.Glu233Lys (NM_001290285.2); short protein forms E386K, E328K, E233K.
Identifiers: ClinVar variation 1380741 (VCV001380741.5), dbSNP rs1039371028, ClinGen allele CA118831463.

ClinVar aggregate classification (germline): Uncertain significance (1 of 4 stars; one submission).

Allele frequency attached by ClinVar (database versions not stated): gnomAD 0.00001; TOPMed 0.00001; gnomAD exomes below 0.00001.
gnomAD v4.1: 6 of 1,610,902 alleles (0.00037%); highest among the groups gnomAD compares: African/African-American, 0.0027%; no homozygotes.

Submission:

Labcorp Genetics (formerly Invitae), Labcorp
Classification: Uncertain significance. Last evaluated: 2021-09-02. Review status: criteria provided, single submitter. Criteria: Invitae Variant Classification Sherloc (09022015). Collection method: clinical testing. Allele origin: germline.
Comment: This sequence change replaces glutamic acid with lysine at codon 386 of the ERCC8 protein (p.Glu386Lys). The glutamic acid residue is weakly conserved and there is a small physicochemical difference between glutamic acid and lysine. This variant is not present in population databases (ExAC no frequency). This variant has not been reported in the literature in individuals affected with ERCC8-related conditions. Algorithms developed to predict the effect of missense changes on protein structure and function (SIFT, PolyPhen-2, Align-GVGD) all suggest that this variant is likely to be tolerated. In summary, the available evidence is currently insufficient to determine the role of this variant in disease. Therefore, it has been classified as a Variant of Uncertain Significance.